The following is an entry in ClinVar:

NM_032776.3(JMJD1C):c.4832A>T (p.Asp1611Val)

Gene: JMJD1C (jumonji domain containing 1C; minus strand). Cytogenetic location: 10q21.3.
Variant type: single nucleotide variant.
Coding change: c.4832A>T on transcript NM_032776.3 (MANE Select); coding-DNA position 4832, A replaced by T.
Protein change: p.Asp1611Val; replaces aspartic acid 1611 with valine.
Molecular consequence: missense variant. On other transcripts: non-coding transcript variant (1).
Genome position (GRCh38, 1-based): chr10:63,206,837, T>A on the plus strand (A>T on the coding strand, the complement: JMJD1C is on the minus strand). VCF-style: chr10-63206837-T-A. GRCh37 (hg19) VCF-style: chr10-64966597-T-A.
Other names: c.4286A>T, p.Asp1429Val (NM_001282948.2, NM_001318154.2); c.3968A>T, p.Asp1323Val (NM_001318153.2); c.4718A>T, p.Asp1573Val (NM_001322252.2); c.4175A>T, p.Asp1392Val (NM_001322254.2, NM_001322258.2); short protein forms D1611V, D1573V, D1323V, D1392V, D1429V.
Identifiers: ClinVar variation 2025891 (VCV002025891.4), dbSNP rs777206872, ClinGen allele CA377036276.

ClinVar aggregate classification (germline): Uncertain significance (1 of 4 stars; one submission).

Conditions:
Early Myoclonic Encephalopathy. Identifiers: MedGen C0270855.

gnomAD v4.1: 2 of 1,600,290 alleles (0.00012%); no homozygotes.

Submission:

Labcorp Genetics (formerly Invitae), Labcorp
Classification: Uncertain significance for Early Myoclonic Encephalopathy. Last evaluated: 2021-12-06. Review status: criteria provided, single submitter. Criteria: Invitae Variant Classification Sherloc (09022015). Collection method: clinical testing. Allele origin: germline.
Comment: This sequence change replaces aspartic acid, which is acidic and polar, with valine, which is neutral and non-polar, at codon 1611 of the JMJD1C protein (p.Asp1611Val). This variant is present in population databases (no rsID available, gnomAD 0.002%). This variant has not been reported in the literature in individuals affected with JMJD1C-related conditions. Algorithms developed to predict the effect of missense changes on protein structure and function are either unavailable or do not agree on the potential impact of this missense change (SIFT: "Deleterious"; PolyPhen-2: "Possibly Damaging"; Align-GVGD: "Class C0"). In summary, the available evidence is currently insufficient to determine the role of this variant in disease. Therefore, it has been classified as a Variant of Uncertain Significance.